The following is an entry in ClinVar:

NM_001098671.2(RASGRP2):c.71T>C (p.Phe24Ser)

Gene: RASGRP2 (RAS guanyl releasing protein 2; minus strand). Cytogenetic location: 11q13.1.
Variant type: single nucleotide variant.
Coding change: c.71T>C on transcript NM_001098671.2 (MANE Select); coding-DNA position 71, T replaced by C.
Protein change: p.Phe24Ser; replaces phenylalanine 24 with serine.
Molecular consequence: missense variant. On other transcripts: 5 prime UTR variant (1).
Genome position (GRCh38, 1-based): chr11:64,742,796, A>G on the plus strand (T>C on the coding strand, the complement: RASGRP2 is on the minus strand). VCF-style: chr11-64742796-A-G. GRCh37 (hg19) VCF-style: chr11-64510268-A-G.
Other names: c.71T>C, p.Phe24Ser (NM_001098670.2, NM_153819.2); c.-285T>C (NM_001318398.2); short protein forms F24S.
Identifiers: ClinVar variation 3662496 (VCV003662496.1).

ClinVar aggregate classification (germline): Uncertain significance (1 of 4 stars; one submission).

Submission:

Labcorp Genetics (formerly Invitae), Labcorp
Classification: Uncertain significance. Last evaluated: 2024-10-14. Review status: criteria provided, single submitter. Criteria: Invitae Variant Classification Sherloc (09022015). Collection method: clinical testing. Allele origin: germline.
Comment: This sequence change replaces phenylalanine, which is neutral and non-polar, with serine, which is neutral and polar, at codon 24 of the RASGRP2 protein (p.Phe24Ser). This variant is not present in population databases (gnomAD no frequency). This missense change has been observed in individual(s) with RASGRP2-related conditions (internal data). In at least one individual the data is consistent with being in trans (on the opposite chromosome) from a pathogenic variant. An algorithm developed to predict the effect of missense changes on protein structure and function (PolyPhen-2) suggests that this variant is likely to be disruptive. In summary, the available evidence is currently insufficient to determine the role of this variant in disease. Therefore, it has been classified as a Variant of Uncertain Significance.